The following is an entry in ClinVar:

NM_016216.4(DBR1):c.1367A>G (p.Asp456Gly)

Gene: DBR1 (debranching RNA lariats 1; minus strand). Cytogenetic location: 3q22.3.
Variant type: single nucleotide variant.
Coding change: c.1367A>G on transcript NM_016216.4 (MANE Select); coding-DNA position 1367, A replaced by G.
Protein change: p.Asp456Gly; replaces aspartic acid 456 with glycine.
Molecular consequence: missense variant.
Genome position (GRCh38, 1-based): chr3:138,162,157, T>C on the plus strand (A>G on the coding strand, the complement: DBR1 is on the minus strand). VCF-style: chr3-138162157-T-C. GRCh37 (hg19) VCF-style: chr3-137880999-T-C.
Other names: short protein forms D456G.
Identifiers: ClinVar variation 1971974 (VCV001971974.4), dbSNP rs770125137, ClinGen allele CA2635674.
Genomic context (GRCh38, chr3:138,162,157, plus strand): 5'-ATCATAGAGCCTGGCAAGATCCTGACATCAGAGAAACTTGCAGAAAACTCAGAAGCTTGA[T>C]CAGAAGGTTCTACCGATGGTGTATTCATGCCACTATGTGCACTTACAATACTATCTTCAT-3'
Protein context (NP_057300.2, residues 446-466): GMNTPSVEPS[Asp456Gly]QASEFSASFS

ClinVar aggregate classification (germline): Uncertain significance (1 of 4 stars; one submission).

Allele frequency attached by ClinVar (database versions not stated): gnomAD exomes 0.00001; ExAC 0.00002.
gnomAD v4.1: 18 of 1,614,178 alleles (0.0011%); highest among the groups gnomAD compares: Non-Finnish European, 0.0014%; no homozygotes.

Submission:

Labcorp Genetics (formerly Invitae), Labcorp
Classification: Uncertain significance. Last evaluated: 2025-06-23. Review status: criteria provided, single submitter. Criteria: Invitae Variant Classification Sherloc (09022015). Collection method: clinical testing. Allele origin: germline.
Comment: This sequence change replaces aspartic acid, which is acidic and polar, with glycine, which is neutral and non-polar, at codon 456 of the DBR1 protein (p.Asp456Gly). This variant is present in population databases (rs770125137, gnomAD 0.004%). This variant has not been reported in the literature in individuals affected with DBR1-related conditions. ClinVar contains an entry for this variant (Variation ID: 1971974). An algorithm developed to predict the effect of missense changes on protein structure and function (PolyPhen-2) suggests that this variant is likely to be tolerated. In summary, the available evidence is currently insufficient to determine the role of this variant in disease. Therefore, it has been classified as a Variant of Uncertain Significance.